The following is an entry in ClinVar:

ClinVar aggregate classification (germline): Uncertain significance (1 of 4 stars; one submission).

Conditions:
Gorlin syndrome. Also called: Nevoid Basal Cell Carcinoma Syndrome; Basal cell nevus syndrome. Identifiers: Orphanet 377, MedGen C0004779, MONDO:0007187.

Submission:

Labcorp Genetics (formerly Invitae), Labcorp
Classification: Uncertain significance for Gorlin syndrome. Last evaluated: 2020-11-13. Review status: criteria provided, single submitter. Criteria: Invitae Variant Classification Sherloc (09022015). Collection method: clinical testing. Allele origin: germline.
Comment: This sequence change replaces alanine with proline at codon 972 of the PTCH1 protein (p.Ala972Pro). The alanine residue is moderately conserved and there is a small physicochemical difference between alanine and proline. This variant is not present in population databases (ExAC no frequency). This variant has not been reported in the literature in individuals with PTCH1-related conditions. Algorithms developed to predict the effect of missense changes on protein structure and function are either unavailable or do not agree on the potential impact of this missense change (SIFT: "Deleterious"; PolyPhen-2: "Probably Damaging"; Align-GVGD: "Class C0"). In summary, the available evidence is currently insufficient to determine the role of this variant in disease. Therefore, it has been classified as a Variant of Uncertain Significance.

NM_000264.5(PTCH1):c.2914G>C (p.Ala972Pro)

Gene: PTCH1 (patched 1; minus strand). Cytogenetic location: 9q22.32.
Variant type: single nucleotide variant.
Coding change: c.2914G>C on transcript NM_000264.5 (MANE Select); coding-DNA position 2914, G replaced by C.
Protein change: p.Ala972Pro; replaces alanine 972 with proline.
Molecular consequence: missense variant. On other transcripts: non-coding transcript variant (1).
Genome position (GRCh38, 1-based): chr9:95,458,267, C>G on the plus strand (G>C on the coding strand, the complement: PTCH1 is on the minus strand). VCF-style: chr9-95458267-C-G. GRCh37 (hg19) VCF-style: chr9-98220549-C-G.
Other names: c.2716G>C, p.Ala906Pro (NM_001083602.3); c.2911G>C, p.Ala971Pro (NM_001083603.3); c.2461G>C, p.Ala821Pro (NM_001083604.3, NM_001083605.3, NM_001083606.3 and 1 more transcripts); c.2758G>C, p.Ala920Pro (NM_001354918.2); short protein forms A920P, A971P, A821P, A906P, A972P.
Identifiers: ClinVar variation 1482070 (VCV001482070.8), dbSNP rs2136662633, ClinGen allele CA374112794.
Genomic context (GRCh38, chr9:95,458,267, plus strand): 5'-CAATTGCCTCCACAAAGTCTGAGGTGTCCCGCAAGCCGTTGAGGTAGAAAGGGAACTGGG[C>G]ATACTCGATGGGCTCTGCTGCCGGGACTGGACAGAGAAGGGCACAGGTTAGGAGCAGCCC-3'
Protein context (NP_000255.2, residues 962-982): RIPAAEPIEY[Ala972Pro]QFPFYLNGLR